The following is an entry in ClinVar:

NM_001350197.2(EVI5):c.874A>G (p.Ile292Val)

Gene: EVI5 (ecotropic viral integration site 5; minus strand). Cytogenetic location: 1p22.1.
Variant type: single nucleotide variant.
Coding change: c.874A>G on transcript NM_001350197.2 (MANE Select); coding-DNA position 874, A replaced by G.
Protein change: p.Ile292Val; replaces isoleucine 292 with valine.
Molecular consequence: missense variant.
Genome position (GRCh38, 1-based): chr1:92,695,345, T>C on the plus strand (A>G on the coding strand, the complement: EVI5 is on the minus strand). VCF-style: chr1-92695345-T-C. GRCh37 (hg19) VCF-style: chr1-93160902-T-C.
Other names: c.1006A>G, p.Ile336Val (NM_001308248.2, NM_005665.6); c.874A>G, p.Ile292Val (NM_001350198.2, NM_001377211.1, NM_001377212.1); c.997A>G, p.Ile333Val (NM_001377210.1); c.955A>G, p.Ile319Val (NM_001377213.1); short protein forms I336V, I292V, I319V, I333V.
Identifiers: ClinVar variation 402839 (VCV000402839.5), dbSNP rs2391199, ClinGen allele CA951998.

ClinVar aggregate classification (germline): Benign. Review status: criteria provided, multiple submitters, no conflicts (2 of 4 stars). 2 submissions from 2 submitters: Benign (2). Last evaluated 2016-03-29.

Allele frequency attached by ClinVar (database versions not stated): gnomAD exomes 0.90987 and 0.92389; ESP Exome Variant Server 0.91296; gnomAD 0.91872 and 0.92121; ExAC 0.92158; TOPMed 0.92362; 1000 Genomes Project 30x 0.94956; 1000 Genomes Project 0.95028.
gnomAD v4.1: 1,468,006 of 1,610,852 alleles (91%); highest among the groups gnomAD compares: East Asian, 97%; 669,658 homozygotes.

Submissions (2):

Laboratory for Molecular Medicine, Mass General Brigham Personalized Medicine
Classification: Benign. Last evaluated: 2016-03-29. Review status: criteria provided, single submitter. Criteria: LMM Criteria. Collection method: clinical testing. Allele origin: germline.
Comment: Variant identified in a genome or exome case(s) and assessed due to predicted null impact of the variant or pathogenic assertions in the literature or databases. Disclaimer: This variant has not undergone full assessment. The following are preliminary notes: Frequency

Breakthrough Genomics
Classification: Benign. Review status: criteria provided, single submitter. Criteria: ACMG Guidelines, 2015. Collection method: not provided. Allele origin: germline. Inheritance: Unknown mechanism. Affected: yes.